The following is an entry in ClinVar:

NM_000038.6(APC):c.1924G>T (p.Val642Leu)

Gene: APC (APC regulator of Wnt signaling pathway; plus strand). Cytogenetic location: 5q22.2.
Variant type: single nucleotide variant.
Coding change: c.1924G>T on transcript NM_000038.6 (MANE Select); coding-DNA position 1924, G replaced by T.
Protein change: p.Val642Leu; replaces valine 642 with leucine.
Molecular consequence: missense variant. On other transcripts: non-coding transcript variant (2).
Genome position (GRCh38, 1-based): chr5:112,835,131, G>T. VCF-style: chr5-112835131-G-T. GRCh37 (hg19) VCF-style: chr5-112170828-G-T.
Other names: c.1924G>T (NM_000038.5); c.1801G>T, p.Val601Leu (NM_001354900.2); c.1747G>T, p.Val583Leu (NM_001354901.2, NM_001407453.1); c.1651G>T, p.Val551Leu (NM_001354902.2); c.1621G>T, p.Val541Leu (NM_001354903.2, NM_001407458.1, NM_001407459.1 and 1 more transcripts); c.1546G>T, p.Val516Leu (NM_001354904.2); c.1444G>T, p.Val482Leu (NM_001354905.2); c.1075G>T, p.Val359Leu (NM_001354906.2, NM_001407470.1); and 12 more; short protein forms V258L, V513L, V482L, V516L, V551L, V559L, V601L, V652L.
Identifiers: ClinVar variation 2830039 (VCV002830039.4), dbSNP rs776230690, ClinGen allele CA16025522.

ClinVar aggregate classification (germline): Uncertain significance. Review status: criteria provided, multiple submitters, no conflicts (2 of 4 stars). 2 submissions from 2 submitters: Uncertain significance (2). Last evaluated 2026-02-16.

Conditions:
Familial adenomatous polyposis 1 (FAP1). Also called: FAMILIAL ADENOMATOUS POLYPOSIS 1, ATTENUATED; POLYPOSIS, ADENOMATOUS INTESTINAL. Identifiers: MedGen C2713442, MONDO:0021056, OMIM 175100. Disease mechanism: loss of function.
Hereditary cancer-predisposing syndrome. Also called: Tumor predisposition; Neoplastic Syndromes, Hereditary; Hereditary Cancer Syndrome; Hereditary neoplastic syndrome. Identifiers: Orphanet 140162, MedGen C0027672, MeSH D009386, MONDO:0015356.

Submissions (2):

Ambry Genetics
Classification: Uncertain significance for Hereditary cancer-predisposing syndrome. Last evaluated: 2026-02-16. Review status: criteria provided, single submitter. Criteria: Ambry Variant Classification Scheme 2023. Collection method: clinical testing. Allele origin: germline.
Comment: The p.V642L variant (also known as c.1924G>T), located in coding exon 14 of the APC gene, results from a G to T substitution at nucleotide position 1924. The valine at codon 642 is replaced by leucine, an amino acid with highly similar properties. Missense variants in APC are not a common cause of disease (Spier I et al. Genet Med. 2024 Feb;26(2):100992). This amino acid position is highly conserved in available vertebrate species. In addition, in silico predictors for this gene do not accurately predict pathogenicity. Based on the available evidence, the clinical significance of this variant remains unclear.

Labcorp Genetics (formerly Invitae), Labcorp
Classification: Uncertain significance for Familial adenomatous polyposis 1. Last evaluated: 2023-01-19. Review status: criteria provided, single submitter. Criteria: Invitae Variant Classification Sherloc (09022015). Collection method: clinical testing. Allele origin: germline.
Comment: This sequence change replaces valine, which is neutral and non-polar, with leucine, which is neutral and non-polar, at codon 642 of the APC protein (p.Val642Leu). This variant is not present in population databases (gnomAD no frequency). This variant has not been reported in the literature in individuals affected with APC-related conditions. Advanced modeling of protein sequence and biophysical properties (such as structural, functional, and spatial information, amino acid conservation, physicochemical variation, residue mobility, and thermodynamic stability) performed at Invitae indicates that this missense variant is not expected to disrupt APC protein function. In summary, the available evidence is currently insufficient to determine the role of this variant in disease. Therefore, it has been classified as a Variant of Uncertain Significance.